The following is an entry in ClinVar:

NM_021098.3(CACNA1H):c.388T>A (p.Ser130Thr)

Gene: CACNA1H (calcium voltage-gated channel subunit alpha1 H; plus strand). Cytogenetic location: 16p13.3.
Variant type: single nucleotide variant.
Coding change: c.388T>A on transcript NM_021098.3 (MANE Select); coding-DNA position 388, T replaced by A.
Protein change: p.Ser130Thr; replaces serine 130 with threonine.
Molecular consequence: missense variant.
Genome position (GRCh38, 1-based): chr16:1,195,060, T>A. VCF-style: chr16-1195060-T-A. GRCh37 (hg19) VCF-style: chr16-1245060-T-A.
Other names: c.388T>A, p.Ser130Thr (NM_001005407.2); short protein forms S130T.
Identifiers: ClinVar variation 3750047 (VCV003750047.2).

ClinVar aggregate classification (germline): Uncertain significance (1 of 4 stars; one submission).

Conditions:
Idiopathic generalized epilepsy. Also called: EIG; Generalised epilepsy. Identifiers: MedGen C0270850, MONDO:0005579, OMIM 600669.
Hyperaldosteronism, familial, type IV (HALD4). Also called: FH IV; ALDOSTERONISM, PRIMARY, AND HYPERTENSION. Identifiers: Orphanet 642671, MedGen C4310756, MONDO:0014875, OMIM 617027.

gnomAD v4.1: 2 of 1,606,562 alleles (0.00012%); highest among the groups gnomAD compares: Non-Finnish European, 0.00017%; no homozygotes.

Submission:

Labcorp Genetics (formerly Invitae), Labcorp
Classification: Uncertain significance for Idiopathic generalized epilepsy; Hyperaldosteronism, familial, type IV. Last evaluated: 2025-01-19. Review status: criteria provided, single submitter. Criteria: Invitae Variant Classification Sherloc (09022015). Collection method: clinical testing. Allele origin: germline.
Comment: This sequence change replaces serine, which is neutral and polar, with threonine, which is neutral and polar, at codon 130 of the CACNA1H protein (p.Ser130Thr). This variant is not present in population databases (gnomAD no frequency). This variant has not been reported in the literature in individuals affected with CACNA1H-related conditions. Invitae Evidence Modeling of protein sequence and biophysical properties (such as structural, functional, and spatial information, amino acid conservation, physicochemical variation, residue mobility, and thermodynamic stability) indicates that this missense variant is not expected to disrupt CACNA1H protein function with a negative predictive value of 80%. In summary, the available evidence is currently insufficient to determine the role of this variant in disease. Therefore, it has been classified as a Variant of Uncertain Significance.